The following is an entry in ClinVar:

NM_005732.4(RAD50):c.1612A>G (p.Met538Val)

Gene: RAD50 (RAD50 double strand break repair protein; plus strand). Cytogenetic location: 5q31.1.
Variant type: single nucleotide variant.
Coding change: c.1612A>G on transcript NM_005732.4 (MANE Select); coding-DNA position 1612, A replaced by G.
Protein change: p.Met538Val; replaces methionine 538 with valine.
Molecular consequence: missense variant.
Genome position (GRCh38, 1-based): chr5:132,591,383, A>G. VCF-style: chr5-132591383-A-G. GRCh37 (hg19) VCF-style: chr5-131927075-A-G.
Other names: short protein forms M538V.
Identifiers: ClinVar variation 480474 (VCV000480474.8), dbSNP rs1554098424, ClinGen allele CA360946120.

ClinVar aggregate classification (germline): Uncertain significance. Review status: criteria provided, multiple submitters, no conflicts (2 of 4 stars). 2 submissions from 2 submitters: Uncertain significance (2). Last evaluated 2024-03-01.

Conditions:
Hereditary cancer-predisposing syndrome. Also called: Hereditary Cancer Syndrome; Neoplastic Syndromes, Hereditary; Tumor predisposition; Hereditary neoplastic syndrome. Identifiers: Orphanet 140162, MedGen C0027672, MeSH D009386, MONDO:0015356.

Submissions (2):

Ambry Genetics
Classification: Uncertain significance for Hereditary cancer-predisposing syndrome. Last evaluated: 2024-03-01. Review status: criteria provided, single submitter. Criteria: Ambry Variant Classification Scheme 2023. Collection method: clinical testing. Allele origin: germline.
Comment: The p.M538V variant (also known as c.1612A>G), located in coding exon 10 of the RAD50 gene, results from an A to G substitution at nucleotide position 1612. The methionine at codon 538 is replaced by valine, an amino acid with highly similar properties. This amino acid position is highly conserved in available vertebrate species. In addition, this alteration is predicted to be deleterious by in silico analysis. Since supporting evidence is limited at this time, the clinical significance of this alteration remains unclear.

Labcorp Genetics (formerly Invitae), Labcorp
Classification: Uncertain significance for Hereditary cancer-predisposing syndrome. Last evaluated: 2023-11-13. Review status: criteria provided, single submitter. Criteria: Invitae Variant Classification Sherloc (09022015). Collection method: clinical testing. Allele origin: germline.
Comment: This sequence change replaces methionine, which is neutral and non-polar, with valine, which is neutral and non-polar, at codon 538 of the RAD50 protein (p.Met538Val). This variant is not present in population databases (gnomAD no frequency). This variant has not been reported in the literature in individuals affected with RAD50-related conditions. ClinVar contains an entry for this variant (Variation ID: 480474). Advanced modeling of protein sequence and biophysical properties (such as structural, functional, and spatial information, amino acid conservation, physicochemical variation, residue mobility, and thermodynamic stability) performed at Invitae indicates that this missense variant is not expected to disrupt RAD50 protein function with a negative predictive value of 80%. In summary, the available evidence is currently insufficient to determine the role of this variant in disease. Therefore, it has been classified as a Variant of Uncertain Significance.